The following is an entry in ClinVar:

ClinVar aggregate classification (germline): Uncertain significance. Review status: criteria provided, multiple submitters, no conflicts (2 of 4 stars). 2 submissions from 2 submitters: Uncertain significance (2). Last evaluated 2025-04-21.

Conditions:
Hereditary cancer-predisposing syndrome. Also called: Neoplastic Syndromes, Hereditary; Hereditary Cancer Syndrome; Tumor predisposition; Hereditary neoplastic syndrome. Identifiers: Orphanet 140162, MedGen C0027672, MeSH D009386, MONDO:0015356.

Allele frequency attached by ClinVar (database versions not stated): gnomAD exomes below 0.00001.
gnomAD v4.1: 2 of 1,602,214 alleles (0.00012%); highest among the groups gnomAD compares: Non-Finnish European, 0.00017%; no homozygotes.

Submissions (2):

Labcorp Genetics (formerly Invitae), Labcorp
Classification: Uncertain significance. Last evaluated: 2025-04-21. Review status: criteria provided, single submitter. Criteria: Invitae Variant Classification Sherloc (09022015). Collection method: clinical testing. Allele origin: germline.
Comment: This sequence change replaces tyrosine, which is neutral and polar, with asparagine, which is neutral and polar, at codon 683 of the POLE protein (p.Tyr683Asn). This variant is not present in population databases (gnomAD no frequency). This variant has not been reported in the literature in individuals affected with POLE-related conditions. ClinVar contains an entry for this variant (Variation ID: 2447958). Invitae Evidence Modeling of protein sequence and biophysical properties (such as structural, functional, and spatial information, amino acid conservation, physicochemical variation, residue mobility, and thermodynamic stability) indicates that this missense variant is expected to disrupt POLE protein function with a positive predictive value of 80%. In summary, the available evidence is currently insufficient to determine the role of this variant in disease. Therefore, it has been classified as a Variant of Uncertain Significance.

Ambry Genetics
Classification: Uncertain significance for Hereditary cancer-predisposing syndrome. Last evaluated: 2023-03-05. Review status: criteria provided, single submitter. Criteria: Ambry Variant Classification Scheme 2023. Collection method: clinical testing. Allele origin: germline.
Comment: The p.Y683N variant (also known as c.2047T>A), located in coding exon 19 of the POLE gene, results from a T to A substitution at nucleotide position 2047. The tyrosine at codon 683 is replaced by asparagine, an amino acid with dissimilar properties. This amino acid position is conserved. In addition, this alteration is predicted to be tolerated by in silico analysis. Since supporting evidence is limited at this time, the clinical significance of this alteration remains unclear.

NM_006231.4(POLE):c.2047T>A (p.Tyr683Asn)

Gene: POLE (DNA polymerase epsilon, catalytic subunit; minus strand). Cytogenetic location: 12q24.33.
Variant type: single nucleotide variant.
Coding change: c.2047T>A on transcript NM_006231.4 (MANE Select); coding-DNA position 2047, T replaced by A.
Protein change: p.Tyr683Asn; replaces tyrosine 683 with asparagine.
Molecular consequence: missense variant.
Genome position (GRCh38, 1-based): chr12:132,668,482, A>T on the plus strand (T>A on the coding strand, the complement: POLE is on the minus strand). VCF-style: chr12-132668482-A-T. GRCh37 (hg19) VCF-style: chr12-133245068-A-T.
Other names: short protein forms Y683N.
Identifiers: ClinVar variation 2447958 (VCV002447958.5), dbSNP rs2135976157, ClinGen allele CA387354373.